The following is an entry in ClinVar:

ClinVar aggregate classification (germline): Likely benign (1 of 4 stars; one submission).

Submission:

Biesecker Lab/Clinical Genomics Section, National Institutes of Health
Classification: Likely benign. Last evaluated: 2013-06-24. Review status: criteria provided, single submitter. Criteria: Ng et al. (Circ Cardiovasc Genet. 2013). Collection method: research. Allele origin: unknown. Observed: 2 variant alleles. Study: ClinSeq.
Comment: The study set was not selected for affection status in relation to any cancer. Pathogenicity categories were based on literature curation. See Pubmed ID:23861362 for details.

Medical sequencing

NM_001267550.2(TTN):c.88971A>G (p.Pro29657=)

Genes: TTN (titin; minus strand), TTN-AS1 (TTN antisense RNA 1; plus strand). Cytogenetic location: 2q31.2.
Variant type: single nucleotide variant.
Coding change: c.88971A>G on transcript NM_001267550.2 (MANE Select); coding-DNA position 88971, A replaced by G.
Protein change: p.Pro29657=; no amino-acid change (proline 29657 retained).
Molecular consequence: synonymous variant.
Genome position (GRCh38, 1-based): chr2:178,554,140, T>C on the plus strand (A>G on the coding strand, the complement: TTN is on the minus strand). VCF-style: chr2-178554140-T-C. GRCh37 (hg19) VCF-style: chr2-179418867-T-C.
Other names: c.84048A>G, p.Pro28016= (NM_001256850.1); c.61776A>G, p.Pro20592= (NM_003319.4); c.81267A>G, p.Pro27089= (NM_133378.4); c.62151A>G, p.Pro20717= (NM_133432.3); c.62352A>G, p.Pro20784= (NM_133437.4).
Identifiers: ClinVar variation 192145 (VCV000192145.1), dbSNP rs786205325, ClinGen allele CA238462.